The following is an entry in ClinVar:

ClinVar aggregate classification (germline): Uncertain significance (1 of 4 stars; one submission).

Allele frequency attached by ClinVar (database versions not stated): TOPMed below 0.00001; gnomAD exomes 0.00004.
gnomAD v4.1: 52 of 1,614,176 alleles (0.0032%); highest among the groups gnomAD compares: Non-Finnish European, 0.0044%; no homozygotes.

Submission:

Labcorp Genetics (formerly Invitae), Labcorp
Classification: Uncertain significance. Last evaluated: 2022-01-21. Review status: criteria provided, single submitter. Criteria: Invitae Variant Classification Sherloc (09022015). Collection method: clinical testing. Allele origin: germline.
Comment: This sequence change replaces lysine, which is basic and polar, with glutamine, which is neutral and polar, at codon 322 of the C8B protein (p.Lys322Gln). This variant has not been reported in the literature in individuals affected with C8B-related conditions. Algorithms developed to predict the effect of missense changes on protein structure and function (SIFT, PolyPhen-2, Align-GVGD) all suggest that this variant is likely to be tolerated. In summary, the available evidence is currently insufficient to determine the role of this variant in disease. Therefore, it has been classified as a Variant of Uncertain Significance. This variant is present in population databases (no rsID available, gnomAD 0.0009%).

NM_000066.4(C8B):c.964A>C (p.Lys322Gln)

Gene: C8B (complement C8 beta chain; minus strand). Cytogenetic location: 1p32.2.
Variant type: single nucleotide variant.
Coding change: c.964A>C on transcript NM_000066.4 (MANE Select); coding-DNA position 964, A replaced by C.
Protein change: p.Lys322Gln; replaces lysine 322 with glutamine.
Molecular consequence: missense variant.
Genome position (GRCh38, 1-based): chr1:56,945,962, T>G on the plus strand (A>C on the coding strand, the complement: C8B is on the minus strand). VCF-style: chr1-56945962-T-G. GRCh37 (hg19) VCF-style: chr1-57411635-T-G.
Other names: c.808A>C, p.Lys270Gln (NM_001278543.2); c.778A>C, p.Lys260Gln (NM_001278544.2); short protein forms K260Q, K322Q, K270Q.
Identifiers: ClinVar variation 2146478 (VCV002146478.3), dbSNP rs1301107396, ClinGen allele CA340528273.